The following is an entry in ClinVar:

NM_004174.4(SLC9A3):c.244G>C (p.Val82Leu)

Gene: SLC9A3 (solute carrier family 9 member A3). Cytogenetic location: 5p15.33.
Variant type: single nucleotide variant.
Coding change: c.244G>C on transcript NM_004174.4 (MANE Select); coding-DNA position 244, G replaced by C.
Protein change: p.Val82Leu; replaces valine 82 with leucine.
Molecular consequence: missense variant.
Genome position (GRCh38, 1-based): chr5:492,039, C>G on the plus strand (G>C on the coding strand, the complement: SLC9A3 is on the minus strand). VCF-style: chr5-492039-C-G. GRCh37 (hg19) VCF-style: chr5-492154-C-G.
Other names: c.244G>C, p.Val82Leu (NM_001284351.3); short protein forms V82L.
Identifiers: ClinVar variation 1419985 (VCV001419985.5), dbSNP rs1375511790, ClinGen allele CA359031634.

ClinVar aggregate classification (germline): Uncertain significance (1 of 4 stars; one submission).

Allele frequency attached by ClinVar (database versions not stated): gnomAD exomes below 0.00001 and 0.00001; gnomAD 0.00001; TOPMed 0.00001.
gnomAD v4.1: 5 of 1,554,540 alleles (0.00032%); highest among the groups gnomAD compares: African/African-American, 0.0042%; no homozygotes.

Submission:

Labcorp Genetics (formerly Invitae), Labcorp
Classification: Uncertain significance. Last evaluated: 2022-08-19. Review status: criteria provided, single submitter. Criteria: Invitae Variant Classification Sherloc (09022015). Collection method: clinical testing. Allele origin: germline.
Comment: This sequence change replaces valine, which is neutral and non-polar, with leucine, which is neutral and non-polar, at codon 82 of the SLC9A3 protein (p.Val82Leu). This variant is present in population databases (no rsID available, gnomAD 0.004%). This variant has not been reported in the literature in individuals affected with SLC9A3-related conditions. ClinVar contains an entry for this variant (Variation ID: 1419985). Algorithms developed to predict the effect of missense changes on protein structure and function are either unavailable or do not agree on the potential impact of this missense change (SIFT: "Not Available"; PolyPhen-2: "Benign"; Align-GVGD: "Not Available"). In summary, the available evidence is currently insufficient to determine the role of this variant in disease. Therefore, it has been classified as a Variant of Uncertain Significance.